The following is an entry in ClinVar:

NM_005121.3(MED13):c.5666G>A (p.Ser1889Asn)

Gene: MED13 (mediator complex subunit 13; minus strand). Cytogenetic location: 17q23.2.
Variant type: single nucleotide variant.
Coding change: c.5666G>A on transcript NM_005121.3 (MANE Select); coding-DNA position 5666, G replaced by A.
Protein change: p.Ser1889Asn; replaces serine 1889 with asparagine.
Molecular consequence: missense variant.
Genome position (GRCh38, 1-based): chr17:61,955,796, C>T on the plus strand (G>A on the coding strand, the complement: MED13 is on the minus strand). VCF-style: chr17-61955796-C-T. GRCh37 (hg19) VCF-style: chr17-60033157-C-T.
Other names: short protein forms S1889N.
Identifiers: ClinVar variation 3391728 (VCV003391728.1).

ClinVar aggregate classification (germline): Uncertain significance (1 of 4 stars; one submission).

Submission:

GeneDx
Classification: Uncertain significance. Last evaluated: 2024-06-17. Review status: criteria provided, single submitter. Criteria: GeneDx Variant Classification Process June 2021. Collection method: clinical testing. Allele origin: germline. Affected: yes.
Comment: Not observed at significant frequency in large population cohorts (gnomAD); In silico analysis indicates that this missense variant does not alter protein structure/function; Has not been previously published as pathogenic or benign to our knowledge